The following is an entry in ClinVar:

ClinVar aggregate classification (germline): Conflicting classifications of pathogenicity. Review status: criteria provided, conflicting classifications (1 of 4 stars). 2 submissions from 2 submitters: Uncertain significance (1); Likely benign (1). Last evaluated 2024-01-21.

Conditions:
Mitochondrial DNA depletion syndrome 13. Also called: FBXL4-Related Encephalomyopathic Mitochondrial DNA Depletion Syndrome; Mitochondrial DNA depletion syndrome 13 (encephalomyopathic type). Identifiers: Orphanet 369897, MedGen C3809592, MONDO:0014198, OMIM 615471.

Allele frequency attached by ClinVar (database versions not stated): gnomAD exomes below 0.00001; ExAC 0.00001; gnomAD 0.00001; 1000 Genomes Project 0.00020; 1000 Genomes Project 30x 0.00031.
gnomAD v4.1: 3 of 1,614,174 alleles (0.00019%); highest among the groups gnomAD compares: East Asian, 0.0022%; no homozygotes.

Submissions (2):

Labcorp Genetics (formerly Invitae), Labcorp
Classification: Likely benign. Last evaluated: 2024-01-21. Review status: criteria provided, single submitter. Criteria: Invitae Variant Classification Sherloc (09022015). Collection method: clinical testing. Allele origin: germline.

Wong Mito Lab, Molecular and Human Genetics, Baylor College of Medicine
Classification: Uncertain significance for Mitochondrial DNA depletion syndrome 13. Last evaluated: 2017-08-10. Review status: criteria provided, single submitter. Criteria: ACMG Guidelines, 2015. Collection method: reference population. Allele origin: germline.
Comment: The NM_012160.4:c.1518A>G (NP_036292.2:p.Leu506=) [GRCH38: NC_000006.12:g.98875599T>C] variant in FBXL4 gene is interpretated to be a Uncertain Significance - Conflicting Evidence based on ACMG guidelines (PMID: 25741868). This variant meets one or more of the following evidence codes reported in the ACMG-guideline. PM2:This variant is absent in key population databases. BP4:Computational evidence/predictors indicate no impact on the FBXL4 structure, function, or protein-protein interaction. BP7:The variant is silent with non predicted splice impact. Based on this evidence code ClinGen Pathogenicity Calculator (PMID:28081714) suggested that the variant is Uncertain Significance - Conflicting Evidence.

NM_001278716.2(FBXL4):c.1518A>G (p.Leu506=)

Gene: FBXL4 (F-box and leucine rich repeat protein 4; minus strand). Cytogenetic location: 6q16.1.
Variant type: single nucleotide variant.
Coding change: c.1518A>G on transcript NM_001278716.2 (MANE Select); coding-DNA position 1518, A replaced by G.
Protein change: p.Leu506=; no amino-acid change (leucine 506 retained).
Molecular consequence: synonymous variant. On other transcripts: non-coding transcript variant (1).
Genome position (GRCh38, 1-based): chr6:98,875,599, T>C on the plus strand (A>G on the coding strand, the complement: FBXL4 is on the minus strand). VCF-style: chr6-98875599-T-C. GRCh37 (hg19) VCF-style: chr6-99323475-T-C.
Other names: c.1518A>G, p.Leu506= (NM_012160.5).
Identifiers: ClinVar variation 437764 (VCV000437764.4), dbSNP rs556881504, ClinGen allele CA3933431.